The following is an entry in ClinVar:

ClinVar aggregate classification (germline): Likely benign (1 of 4 stars; one submission).

Submission:

GeneDx
Classification: Likely benign. Last evaluated: 2018-02-06. Review status: criteria provided, single submitter. Criteria: GeneDx Variant Classification (06012015). Collection method: clinical testing. Allele origin: germline. Affected: yes.
Comment: This variant is considered likely benign or benign based on one or more of the following criteria: it is a conservative change, it occurs at a poorly conserved position in the protein, it is predicted to be benign by multiple in silico algorithms, and/or has population frequency not consistent with disease.

NM_001376256.1(CRYM):c.480C>T (p.Ser160=)

Gene: CRYM (crystallin mu; minus strand). Cytogenetic location: 16p12.2.
Variant type: single nucleotide variant.
Coding change: c.480C>T on transcript NM_001376256.1 (MANE Select); coding-DNA position 480, C replaced by T.
Protein change: p.Ser160=; no amino-acid change (serine 160 retained).
Molecular consequence: synonymous variant.
Genome position (GRCh38, 1-based): chr16:21,269,799, G>A on the plus strand (C>T on the coding strand, the complement: CRYM is on the minus strand). VCF-style: chr16-21269799-G-A. GRCh37 (hg19) VCF-style: chr16-21281120-G-A.
Other names: c.480C>T, p.Ser160= (NM_001888.5).
Identifiers: ClinVar variation 512030 (VCV000512030.1), dbSNP rs1555463333, ClinGen allele CA493866725.